The following is an entry in ClinVar:

ClinVar aggregate classification (germline): Conflicting classifications of pathogenicity. Review status: criteria provided, conflicting classifications (1 of 4 stars). 3 submissions from 3 submitters: Uncertain significance (2); Likely benign (1). Last evaluated 2025-09-07.

Conditions:
Hereditary cancer-predisposing syndrome. Also called: Tumor predisposition; Hereditary neoplastic syndrome; Neoplastic Syndromes, Hereditary; Hereditary Cancer Syndrome. Identifiers: Orphanet 140162, MedGen C0027672, MeSH D009386, MONDO:0015356.
Hereditary breast ovarian cancer syndrome. Also called: Hereditary breast and ovarian cancer; Hereditary breast and/or ovarian cancer syndrome; Hereditary breast and ovarian cancer syndrome; Hereditary breast and ovarian cancer syndrome (HBOC); Breast and ovarian cancer; BRCA1- and BRCA2-Associated Hereditary Breast and Ovarian Cancer. Identifiers: Orphanet 145, MedGen C0677776, MeSH D061325, MONDO:0003582. Disease mechanism: loss of function.

Allele frequency attached by ClinVar (database versions not stated): gnomAD exomes below 0.00001.
gnomAD v4.1: 1 of 1,614,056 alleles (0.000062%); highest among the groups gnomAD compares: Non-Finnish European, 0.000085%; no homozygotes.

Submissions (3):

Labcorp Genetics (formerly Invitae), Labcorp
Classification: Uncertain significance for Hereditary breast ovarian cancer syndrome. Last evaluated: 2025-09-07. Review status: criteria provided, single submitter. Criteria: Invitae Variant Classification Sherloc (09022015). Collection method: clinical testing. Allele origin: germline.
Comment: This sequence change replaces histidine, which is basic and polar, with arginine, which is basic and polar, at codon 763 of the BRCA2 protein (p.His763Arg). This variant is not present in population databases (gnomAD no frequency). This variant has not been reported in the literature in individuals affected with BRCA2-related conditions. ClinVar contains an entry for this variant (Variation ID: 2061675). Invitae Evidence Modeling of protein sequence and biophysical properties (such as structural, functional, and spatial information, amino acid conservation, physicochemical variation, residue mobility, and thermodynamic stability) indicates that this missense variant is not expected to disrupt BRCA2 protein function with a negative predictive value of 95%. In summary, the available evidence is currently insufficient to determine the role of this variant in disease. Therefore, it has been classified as a Variant of Uncertain Significance.

Ambry Genetics
Classification: Uncertain significance for Hereditary cancer-predisposing syndrome. Last evaluated: 2024-11-17. Review status: criteria provided, single submitter. Criteria: Ambry Variant Classification Scheme 2023. Collection method: clinical testing. Allele origin: germline.
Comment: The p.H763R variant (also known as c.2288A>G), located in coding exon 10 of the BRCA2 gene, results from an A to G substitution at nucleotide position 2288. The histidine at codon 763 is replaced by arginine, an amino acid with highly similar properties. This amino acid position is conserved. In addition, this alteration is predicted to be tolerated by in silico analysis. Based on the available evidence, the clinical significance of this variant remains unclear.

University of Washington Department of Laboratory Medicine, University of Washington
Classification: Likely benign for Hereditary cancer-predisposing syndrome. Last evaluated: 2023-03-23. Review status: criteria provided, single submitter. Criteria: Dines et al. (Genet Med. 2020). Collection method: curation. Allele origin: germline.
Comment: Missense variant in a coldspot region where missense variants are very unlikely to be pathogenic (PMID:31911673).

BRCA2 exon 11 coldspot. Reclassification based on statistical prior probability.

NM_000059.4(BRCA2):c.2288A>G (p.His763Arg)

Gene: BRCA2 (BRCA2 DNA repair associated; plus strand). Cytogenetic location: 13q13.1.
Variant type: single nucleotide variant.
Coding change: c.2288A>G on transcript NM_000059.4 (MANE Select); coding-DNA position 2288, A replaced by G.
Protein change: p.His763Arg; replaces histidine 763 with arginine.
Molecular consequence: missense variant.
Genome position (GRCh38, 1-based): chr13:32,336,643, A>G. VCF-style: chr13-32336643-A-G. GRCh37 (hg19) VCF-style: chr13-32910780-A-G.
Other names: c.2288A>G, p.His763Arg (NM_001406719.1, NM_001406720.1); short protein forms H763R.
Identifiers: ClinVar variation 2061675 (VCV002061675.7), dbSNP rs2137485057, ClinGen allele CA387771203.